The following is an entry in ClinVar:

NM_000392.5(ABCC2):c.3258+1G>C

Gene: ABCC2 (ATP binding cassette subfamily C member 2; plus strand). Cytogenetic location: 10q24.2.
Variant type: single nucleotide variant.
Coding change: c.3258+1G>C on transcript NM_000392.5 (MANE Select); the canonical splice donor site of the intron after coding-DNA position 3258, G replaced by C.
Molecular consequence: splice donor variant.
Genome position (GRCh38, 1-based): chr10:99,832,132, G>C. VCF-style: chr10-99832132-G-C. GRCh37 (hg19) VCF-style: chr10-101591889-G-C.
Identifiers: ClinVar variation 5001061 (VCV005001061.1).
Genomic context (GRCh38, chr10:99,832,132, plus strand): 5'-GCACCTATGAGATTTTTTGACACAACACCCACAGGCCGGATTGTGAACAGGTTTGCCGGC[G>C]TAAGTATCTCAAGAACTGTCAGGTGGTGTGTTTATATACTGAGGATCTTTCTGATAGGGA-3'

ClinVar aggregate classification (germline): Likely pathogenic (1 of 4 stars; one submission).

Conditions:
ABCC2-related disorder. Also called: ABCC2-related condition.

gnomAD v4.1: 2 of 1,614,156 alleles (0.00012%); highest among the groups gnomAD compares: Non-Finnish European, 0.00017%; no homozygotes.

Submission:

PreventionGenetics, part of Exact Sciences
Classification: Likely pathogenic for ABCC2-related condition. Last evaluated: 2025-09-08. Review status: criteria provided, single submitter. Criteria: ACMG Guidelines, 2015. Collection method: clinical testing. Allele origin: germline.
Comment: The ABCC2 c.3258+1G>C variant is predicted to disrupt the GT donor site and interfere with normal splicing. To our knowledge, this variant has not been reported in the literature or in a large population database (gnomAD), indicating this variant is rare. Alternative variant at the same nucleotide (c.3258+1G>A) has been reported Dubin-Johnson syndrome (Sticova et al. 2013. PubMed ID: 23429660; Al-Hussaini et al. 2021. PubMed ID: 34858902). Variants that disrupt the consensus splice donor site in ABCC2 are expected to be pathogenic. This variant is interpreted as likely pathogenic.